The following is an entry in ClinVar:

NM_001082486.2(ACD):c.187G>A (p.Gly63Arg)

Gene: ACD (ACD shelterin complex subunit and telomerase recruitment factor; minus strand). Cytogenetic location: 16q22.1.
Variant type: single nucleotide variant.
Coding change: c.187G>A on transcript NM_001082486.2 (MANE Select); coding-DNA position 187, G replaced by A.
Protein change: p.Gly63Arg; replaces glycine 63 with arginine.
Molecular consequence: missense variant.
Genome position (GRCh38, 1-based): chr16:67,659,958, C>T on the plus strand (G>A on the coding strand, the complement: ACD is on the minus strand). VCF-style: chr16-67659958-C-T. GRCh37 (hg19) VCF-style: chr16-67693861-C-T.
Other names: c.187G>A, p.Gly63Arg (NM_001410884.1); c.178G>A, p.Gly60Arg (NM_022914.3); short protein forms G63R, G60R.
Identifiers: ClinVar variation 1740766 (VCV001740766.4), dbSNP rs769728392, ClinGen allele CA8114796.

ClinVar aggregate classification (germline): Uncertain significance. Review status: criteria provided, multiple submitters, no conflicts (2 of 4 stars). 2 submissions from 2 submitters: Uncertain significance (2). Last evaluated 2024-10-25.

Conditions:
Inborn genetic diseases. Identifiers: MedGen C0950123, MeSH D030342.
Dyskeratosis congenita, autosomal dominant 6 (DKCA6). Identifiers: Orphanet 3322, MedGen C4225284, MONDO:0014690, OMIM 616553.

Allele frequency attached by ClinVar (database versions not stated): gnomAD exomes below 0.00001; ExAC 0.00001.
gnomAD v4.1: 1 of 1,608,648 alleles (0.000062%); highest among the groups gnomAD compares: African/African-American, 0.0013%; no homozygotes.

Submissions (2):

Labcorp Genetics (formerly Invitae), Labcorp
Classification: Uncertain significance for Dyskeratosis congenita, autosomal dominant 6. Last evaluated: 2024-10-25. Review status: criteria provided, single submitter. Criteria: Invitae Variant Classification Sherloc (09022015). Collection method: clinical testing. Allele origin: germline.
Comment: This sequence change replaces glycine, which is neutral and non-polar, with arginine, which is basic and polar, at codon 149 of the ACD protein (p.Gly149Arg). The frequency data for this variant in the population databases is considered unreliable, as metrics indicate poor data quality at this position in the gnomAD database. This variant has not been reported in the literature in individuals affected with ACD-related conditions. ClinVar contains an entry for this variant (Variation ID: 1740766). Invitae Evidence Modeling of protein sequence and biophysical properties (such as structural, functional, and spatial information, amino acid conservation, physicochemical variation, residue mobility, and thermodynamic stability) indicates that this missense variant is expected to disrupt ACD protein function with a positive predictive value of 80%. In summary, the available evidence is currently insufficient to determine the role of this variant in disease. Therefore, it has been classified as a Variant of Uncertain Significance.

Ambry Genetics
Classification: Uncertain significance for Inborn genetic diseases. Last evaluated: 2022-08-16. Review status: criteria provided, single submitter. Criteria: Ambry Variant Classification Scheme 2023. Collection method: clinical testing. Allele origin: germline.
Comment: The p.G149R variant (also known as c.445G>A), located in coding exon 2 of the ACD gene, results from a G to A substitution at nucleotide position 445. The glycine at codon 149 is replaced by arginine, an amino acid with dissimilar properties. This amino acid position is conserved. In addition, the in silico prediction for this alteration is inconclusive. Since supporting evidence is limited at this time, the clinical significance of this alteration remains unclear.